The following is an entry in ClinVar:

ClinVar aggregate classification (germline): Pathogenic/Likely pathogenic. Review status: criteria provided, multiple submitters, no conflicts (2 of 4 stars). 4 submissions from 4 submitters: Pathogenic (1); Likely pathogenic (3). Last evaluated 2025-12-10.

Conditions:
Familial cancer of breast. Also called: BREAST CANCER, FAMILIAL; Hereditary breast cancer; hereditary breast carcinoma. Identifiers: Orphanet 227535, MedGen C0346153, MONDO:0016419, OMIM 114480. Disease mechanism: loss of function.
Hereditary cancer-predisposing syndrome. Also called: Tumor predisposition; Hereditary Cancer Syndrome; Hereditary neoplastic syndrome; Neoplastic Syndromes, Hereditary. Identifiers: Orphanet 140162, MedGen C0027672, MeSH D009386, MONDO:0015356.

Allele frequency attached by ClinVar (database versions not stated): gnomAD 0.00001.

Submissions (5):

Labcorp Genetics (formerly Invitae), Labcorp
Classification: Pathogenic for Familial cancer of breast. Last evaluated: 2025-12-10. Review status: criteria provided, single submitter. Criteria: Invitae Variant Classification Sherloc (09022015). Collection method: clinical testing. Allele origin: germline.
Comment: This sequence change affects an acceptor splice site in intron 13 of the CHEK2 gene. RNA analysis indicates that disruption of this splice site induces altered splicing and may result in an absent or altered protein product. This variant is not present in population databases (gnomAD no frequency). Disruption of this splice site has been observed in individual(s) with breast cancer (PMID: 32427313). ClinVar contains an entry for this variant (Variation ID: 410026). Studies have shown that disruption of this splice site results in activation of cryptic splice sites, and produces a non-functional protein and/or introduces a premature termination codon (internal data). For these reasons, this variant has been classified as Pathogenic.

Ambry Genetics
Classification: Likely pathogenic for Hereditary cancer-predisposing syndrome. Last evaluated: 2025-01-22. Review status: criteria provided, single submitter. Criteria: Ambry Variant Classification Scheme 2023. Collection method: clinical testing. Allele origin: germline.
Comment: The c.1462-1G>A intronic variant results from a G to A substitution one nucleotide upstream from coding exon 13 of the CHEK2 gene. Alterations that disrupt the canonical splice site are expected to cause aberrant splicing. This alteration has been reported in the literature in an individual diagnosed with breast cancer (Palmer JR et al. J Natl Cancer Inst, 2020 12;112:1213-1221). RNA studies have demonstrated that this alteration results in abnormal splicing in the set of samples tested (Ambry internal data). Although the resulting aberrant transcripts are not expected to trigger nonsense-mediated decay, they are located in a critical region of the protein (Ambry internal data). In silico splice site analysis predicts that this alteration will weaken the native splice acceptor site and may result in the creation or strengthening of a novel splice acceptor site. This nucleotide position is highly conserved in available vertebrate species. Based on the majority of available evidence to date, this variant is likely to be pathogenic.

Color Diagnostics, LLC DBA Color Health
Classification: Likely pathogenic for Hereditary cancer-predisposing syndrome. Last evaluated: 2024-03-18. Review status: criteria provided, single submitter. Criteria: ACMG Guidelines, 2015. Collection method: clinical testing. Allele origin: germline.
Comment: This variant causes a G to A nucleotide substitution at the -1 position of intron 13 of the CHEK2 gene. This variant is also known as c.1591-1G>A based on the reference transcript NM_001005735.1 in the literature. Splice site prediction tools predict that this variant may have a significant impact on RNA splicing. To our knowledge, functional studies have not been reported for this variant. This variant has been reported in two individuals affected with breast cancer (PMID: 32427313, Color internal data), and individuals affected with pancreatic and ovarian cancer (PMID: 28888541, 29731985). This variant has not been identified in the general population by the Genome Aggregation Database (gnomAD). Loss of CHEK2 function is a known mechanism of disease. Based on the available evidence, this variant is classified as Likely Pathogenic.

Myriad Genetics, Inc.
Classification: Likely pathogenic for Familial cancer of breast. Last evaluated: 2023-06-29. Review status: criteria provided, single submitter. Criteria: Myriad Autosomal Dominant, Autosomal Recessive and X-Linked Classification Criteria (2023). Collection method: clinical testing. Allele origin: unknown.
Comment: This variant is considered likely pathogenic. This variant occurs within a consensus splice junction and is predicted to result in abnormal mRNA splicing of either an out-of-frame exon or an in-frame exon necessary for protein stability and/or normal function.

Dr. Peter K. Rogan Lab, Western University
No classification provided (evidence only). Condition: Thymoma. Review status: no classification provided. Collection method: in vitro. Allele origin: not applicable. Functional consequence: retained intron. Not counted in ClinVar's aggregate classification.

Literature cited by the submitters: PubMed 32427313 (cited by 3 submitters); PubMed 28888541 (cited by Color Diagnostics, LLC DBA Color Health); PubMed 29731985 (cited by Color Diagnostics, LLC DBA Color Health).

NM_007194.4(CHEK2):c.1462-1G>A

Gene: CHEK2 (checkpoint kinase 2; minus strand). Cytogenetic location: 22q12.1.
Variant type: single nucleotide variant.
Coding change: c.1462-1G>A on transcript NM_007194.4 (MANE Select); the canonical splice acceptor site of the intron before coding-DNA position 1462, G replaced by A.
Molecular consequence: splice acceptor variant.
Genome position (GRCh38, 1-based): chr22:28,689,216, C>T on the plus strand (G>A on the coding strand, the complement: CHEK2 is on the minus strand). VCF-style: chr22-28689216-C-T. GRCh37 (hg19) VCF-style: chr22-29085204-C-T.
Other names: c.799-1G>A (NM_001437942.1, NM_001257387.3); c.1261-1G>A (NM_001349956.3); c.1375-1G>A (NM_145862.3); c.1468-1G>A (NM_001438295.1); c.1555-1G>A (NM_001438293.1); c.1504-1G>A (NM_001438294.1); c.1591-1G>A (NM_001005735.3).
Identifiers: ClinVar variation 410026 (VCV000410026.25), dbSNP rs1060502698, ClinGen allele CA16616300.